The following is an entry in ClinVar:

NM_004415.4(DSP):c.1701+2T>A

Gene: DSP (desmoplakin; plus strand). Cytogenetic location: 6p24.3.
Variant type: single nucleotide variant.
Coding change: c.1701+2T>A on transcript NM_004415.4 (MANE Select); the canonical splice donor site of the intron after coding-DNA position 1701, T replaced by A.
Molecular consequence: splice donor variant.
Genome position (GRCh38, 1-based): chr6:7,570,565, T>A. VCF-style: chr6-7570565-T-A. GRCh37 (hg19) VCF-style: chr6-7570798-T-A.
Other names: c.1701+2T>A (NM_001319034.2, NM_001008844.3).
Identifiers: ClinVar variation 3755863 (VCV003755863.2).

ClinVar aggregate classification (germline): Likely pathogenic (1 of 4 stars; one submission).

Conditions:
Arrhythmogenic right ventricular dysplasia 8 (ARVD8). Also called: Arrhythmogenic Right Ventricular Dysplasia/Cardiomyopathy 8; ARRHYTHMOGENIC RIGHT VENTRICULAR DYSPLASIA, FAMILIAL, 8; ARRHYTHMOGENIC RIGHT VENTRICULAR CARDIOMYOPATHY 8. Identifiers: MedGen C1843896, MONDO:0011831, OMIM 607450.
Arrhythmogenic cardiomyopathy with wooly hair and keratoderma. Also called: PALMOPLANTAR KERATODERMA WITH LEFT VENTRICULAR CARDIOMYOPATHY AND WOOLLY HAIR; Carvajal syndrome; Dilated cardiomyopathy with woolly hair and keratoderma; Arrhythmogenic cardiomyopathy with woolly hair and keratoderma. Identifiers: Orphanet 65282, MedGen C1854063, MONDO:0011581, OMIM 605676.

Submission:

Labcorp Genetics (formerly Invitae), Labcorp
Classification: Likely pathogenic for Arrhythmogenic cardiomyopathy with wooly hair and keratoderma; Arrhythmogenic right ventricular dysplasia 8. Last evaluated: 2024-04-15. Review status: criteria provided, single submitter. Criteria: Invitae Variant Classification Sherloc (09022015). Collection method: clinical testing. Allele origin: germline.
Comment: This sequence change affects a donor splice site in intron 13 of the DSP gene. It is expected to disrupt RNA splicing. Variants that disrupt the donor or acceptor splice site typically lead to a loss of protein function (PMID: 16199547), and loss-of-function variants in DSP are known to be pathogenic (PMID: 20716751, 24503780, 25227139). This variant is not present in population databases (gnomAD no frequency). This variant has not been reported in the literature in individuals affected with DSP-related conditions. Algorithms developed to predict the effect of sequence changes on RNA splicing suggest that this variant may disrupt the consensus splice site. In summary, the currently available evidence indicates that the variant is pathogenic, but additional data are needed to prove that conclusively. Therefore, this variant has been classified as Likely Pathogenic.

Literature cited by the submitters: PubMed 16199547; PubMed 20716751; PubMed 24503780; PubMed 25227139.